The following is an entry in ClinVar:

NM_025099.6(CTC1):c.2386-18T>G

Gene: CTC1 (CST telomere replication complex component 1; minus strand). Cytogenetic location: 17p13.1.
Variant type: single nucleotide variant.
Coding change: c.2386-18T>G on transcript NM_025099.6 (MANE Select); 18 bases into the intron before coding-DNA position 2386, T replaced by G.
Molecular consequence: intron variant.
Genome position (GRCh38, 1-based): chr17:8,231,833, A>C on the plus strand (T>G on the coding strand, the complement: CTC1 is on the minus strand). VCF-style: chr17-8231833-A-C. GRCh37 (hg19) VCF-style: chr17-8135151-A-C.
Other names: c.2386-18T>G (NM_001411067.1).
Identifiers: ClinVar variation 2852986 (VCV002852986.4), dbSNP rs775756557, ClinGen allele CA8372098.

ClinVar aggregate classification (germline): Uncertain significance. Review status: criteria provided, multiple submitters, no conflicts (2 of 4 stars). 2 submissions from 2 submitters: Uncertain significance (2). Last evaluated 2024-08-16.

Conditions:
Dyskeratosis congenita. Identifiers: Orphanet 1775, MedGen C0265965, MONDO:0015780.
Cerebroretinal microangiopathy with calcifications and cysts 1 (CRMCC1). Identifiers: Orphanet 313838, MedGen C4552029, MONDO:0024564, OMIM 612199.

Allele frequency attached by ClinVar (database versions not stated): ExAC 0.00001; gnomAD 0.00002; TOPMed 0.00004.
gnomAD v4.1: 13 of 1,613,992 alleles (0.00081%); highest among the groups gnomAD compares: African/African-American, 0.016%; no homozygotes.

Submissions (2):

3billion
Classification: Uncertain significance for Cerebroretinal microangiopathy with calcifications and cysts 1. Last evaluated: 2024-08-16. Review status: criteria provided, single submitter. Criteria: ACMG Guidelines, 2015. Collection method: clinical testing. Allele origin: germline. Affected: yes.
Comment: The variant is observed at an extremely low frequency in the gnomAD v4.0.0 dataset (total allele frequency: <0.001%). Predicted Consequence/Location: Intron variant In silico tools predict the variant to alter splicing and produce an abnormal transcript [SpliceAI: 0.29 (>=0.2, moderate evidence for spliceogenicity)]. The variant has been reported as of uncertain significance (ClinVar ID: VCV002852986). Therefore, this variant is classified as VUS according to the recommendation of ACMG/AMP guideline.

Labcorp Genetics (formerly Invitae), Labcorp
Classification: Uncertain significance for Dyskeratosis congenita. Last evaluated: 2022-12-27. Review status: criteria provided, single submitter. Criteria: Invitae Variant Classification Sherloc (09022015). Collection method: clinical testing. Allele origin: germline.
Comment: Algorithms developed to predict the effect of sequence changes on RNA splicing suggest that this variant may disrupt the consensus splice site. This variant has not been reported in the literature in individuals affected with CTC1-related conditions. This variant is present in population databases (rs775756557, gnomAD 0.007%). This sequence change falls in intron 13 of the CTC1 gene. It does not directly change the encoded amino acid sequence of the CTC1 protein. In summary, the available evidence is currently insufficient to determine the role of this variant in disease. Therefore, it has been classified as a Variant of Uncertain Significance.